The following is an entry in ClinVar:

NM_001148.6(ANK2):c.11171T>C (p.Phe3724Ser)

Gene: ANK2 (ankyrin 2; plus strand). Cytogenetic location: 4q26.
Variant type: single nucleotide variant.
Coding change: c.11171T>C on transcript NM_001148.6 (MANE Select); coding-DNA position 11171, T replaced by C.
Protein change: p.Phe3724Ser; replaces phenylalanine 3724 with serine.
Molecular consequence: missense variant.
Genome position (GRCh38, 1-based): chr4:113,367,704, T>C. VCF-style: chr4-113367704-T-C. GRCh37 (hg19) VCF-style: chr4-114288860-T-C.
Other names: c.4889T>C, p.Phe1630Ser (NM_001127493.3); c.4928T>C, p.Phe1643Ser (NM_001354225.2); c.4817T>C, p.Phe1606Ser (NM_001354228.2, NM_001354258.2); c.4895T>C, p.Phe1632Ser (NM_001354230.2); c.4958T>C, p.Phe1653Ser (NM_001354231.2, NM_001354242.2); c.4952T>C, p.Phe1651Ser (NM_001354232.2); c.4913T>C, p.Phe1638Ser (NM_001354235.2, NM_001354246.2, NM_001354265.2); c.4814T>C, p.Phe1605Ser (NM_001354236.2); and 35 more; short protein forms F1561S, F1566S, F1577S, F1585S, F1605S, F1629S, F1630S, F2524S.
Identifiers: ClinVar variation 4693274 (VCV004693274.2).

ClinVar aggregate classification (germline): Uncertain significance. Review status: criteria provided, multiple submitters, no conflicts (2 of 4 stars). 2 submissions from 2 submitters: Uncertain significance (2). Last evaluated 2025-12-20.

Conditions:
Long QT syndrome (LQTS). Identifiers: MedGen C0023976, MeSH D008133, MONDO:0002442. Disease mechanism: loss of function. Inheritance: Various modes of inheritance.

Submissions (2):

Labcorp Genetics (formerly Invitae), Labcorp
Classification: Uncertain significance for Long QT syndrome. Last evaluated: 2025-12-20. Review status: criteria provided, single submitter. Criteria: Invitae Variant Classification Sherloc (09022015). Collection method: clinical testing. Allele origin: germline.
Comment: This sequence change replaces phenylalanine, which is neutral and non-polar, with serine, which is neutral and polar, at codon 3724 of the ANK2 protein (p.Phe3724Ser). This variant is present in population databases (rs772917225, gnomAD 0.01%). This variant has not been reported in the literature in individuals affected with ANK2-related conditions. Invitae Evidence Modeling of protein sequence and biophysical properties (such as structural, functional, and spatial information, amino acid conservation, physicochemical variation, residue mobility, and thermodynamic stability) indicates that this missense variant is not expected to disrupt ANK2 protein function with a negative predictive value of 80%. In summary, the available evidence is currently insufficient to determine the role of this variant in disease. Therefore, it has been classified as a Variant of Uncertain Significance.

Blueprint Genetics
Classification: Uncertain significance. Last evaluated: 2018-10-31. Review status: criteria provided, single submitter. Criteria: ACMG Guidelines, 2015. Collection method: clinical testing. Allele origin: germline.